The following is an entry in ClinVar:

ClinVar aggregate classification (germline): Uncertain significance. Review status: criteria provided, multiple submitters, no conflicts (2 of 4 stars). 2 submissions from 2 submitters: Uncertain significance (2). Last evaluated 2025-08-02.

Conditions:
Inborn genetic diseases. Identifiers: MedGen C0950123, MeSH D030342.

gnomAD v4.1: 10 of 1,613,764 alleles (0.00062%); highest among the groups gnomAD compares: Non-Finnish European, 0.00085%; no homozygotes.

Submissions (2):

Ambry Genetics
Classification: Uncertain significance for Inborn genetic diseases. Last evaluated: 2025-08-02. Review status: criteria provided, single submitter. Criteria: Ambry Variant Classification Scheme 2023. Collection method: clinical testing. Allele origin: germline.

Labcorp Genetics (formerly Invitae), Labcorp
Classification: Uncertain significance. Last evaluated: 2024-07-23. Review status: criteria provided, single submitter. Criteria: Invitae Variant Classification Sherloc (09022015). Collection method: clinical testing. Allele origin: germline.
Comment: This sequence change replaces serine, which is neutral and polar, with phenylalanine, which is neutral and non-polar, at codon 655 of the KMT2E protein (p.Ser655Phe). This variant is present in population databases (no rsID available, gnomAD 0.0009%). This variant has not been reported in the literature in individuals affected with KMT2E-related conditions. ClinVar contains an entry for this variant (Variation ID: 2540479). Advanced modeling of protein sequence and biophysical properties (such as structural, functional, and spatial information, amino acid conservation, physicochemical variation, residue mobility, and thermodynamic stability) has been performed at Invitae for this missense variant, however the output from this modeling did not meet the statistical confidence thresholds required to predict the impact of this variant on KMT2E protein function. In summary, the available evidence is currently insufficient to determine the role of this variant in disease. Therefore, it has been classified as a Variant of Uncertain Significance.

NM_182931.3(KMT2E):c.1964C>T (p.Ser655Phe)

Gene: KMT2E (lysine methyltransferase 2E (inactive); plus strand). Cytogenetic location: 7q22.3.
Variant type: single nucleotide variant.
Coding change: c.1964C>T on transcript NM_182931.3 (MANE Select); coding-DNA position 1964, C replaced by T.
Protein change: p.Ser655Phe; replaces serine 655 with phenylalanine.
Molecular consequence: missense variant.
Genome position (GRCh38, 1-based): chr7:105,101,962, C>T. VCF-style: chr7-105101962-C-T. GRCh37 (hg19) VCF-style: chr7-104742409-C-T.
Other names: c.1964C>T, p.Ser655Phe (NM_001410908.1, NM_018682.4); short protein forms S655F.
Identifiers: ClinVar variation 2540479 (VCV002540479.5), dbSNP rs930016165, ClinGen allele CA164012246.